The following is an entry in ClinVar:

ClinVar aggregate classification (germline): Uncertain significance (1 of 4 stars; one submission).

Conditions:
Primary ciliary dyskinesia 32. Also called: CILIARY DYSKINESIA, PRIMARY, 32, WITHOUT SITUS INVERSUS. Identifiers: Orphanet 244, MedGen C4225311, MONDO:0014657, OMIM 616481.

gnomAD v4.1: 2 of 1,607,326 alleles (0.00012%); highest among the groups gnomAD compares: African/African-American, 0.0013%; no homozygotes.

Submission:

Labcorp Genetics (formerly Invitae), Labcorp
Classification: Uncertain significance for Primary ciliary dyskinesia 32. Last evaluated: 2022-07-01. Review status: criteria provided, single submitter. Criteria: Invitae Variant Classification Sherloc (09022015). Collection method: clinical testing. Allele origin: germline.
Comment: This sequence change replaces leucine, which is neutral and non-polar, with valine, which is neutral and non-polar, at codon 11 of the RSPH3 protein (p.Leu11Val). This variant is not present in population databases (gnomAD no frequency). This variant has not been reported in the literature in individuals affected with RSPH3-related conditions. Algorithms developed to predict the effect of missense changes on protein structure and function output the following: SIFT: "Tolerated"; PolyPhen-2: "Benign"; Align-GVGD: "Class C0". The valine amino acid residue is found in multiple mammalian species, which suggests that this missense change does not adversely affect protein function. In summary, the available evidence is currently insufficient to determine the role of this variant in disease. Therefore, it has been classified as a Variant of Uncertain Significance.

NM_031924.8(RSPH3):c.-396C>G

Genes: RSPH3 (radial spoke head 3; minus strand), TAGAP-AS1 (TAGAP antisense RNA 1; plus strand). Cytogenetic location: 6q25.3.
Variant type: single nucleotide variant.
Coding change: c.-396C>G on transcript NM_031924.8 (MANE Select); 396 bases upstream of the start codon, C replaced by G.
Molecular consequence: 5 prime UTR variant. On other transcripts: missense variant (1), non-coding transcript variant (1).
Genome position (GRCh38, 1-based): chr6:158,999,946, G>C on the plus strand (C>G on the coding strand, the complement: RSPH3 is on the minus strand). VCF-style: chr6-158999946-G-C. GRCh37 (hg19) VCF-style: chr6-159420978-G-C.
Other names: c.31C>G, p.Leu11Val (NM_001346418.1); short protein forms L11V.
Identifiers: ClinVar variation 2020052 (VCV002020052.3), dbSNP rs1554291758, ClinGen allele CA366286047.